The following is an entry in ClinVar:

NM_001195248.2(APTX):c.134-12A>C

Gene: APTX (aprataxin; minus strand). Cytogenetic location: 9p21.1.
Variant type: single nucleotide variant.
Coding change: c.134-12A>C on transcript NM_001195248.2 (MANE Select); 12 bases into the intron before coding-DNA position 134, A replaced by C.
Molecular consequence: intron variant.
Genome position (GRCh38, 1-based): chr9:32,988,141, T>G on the plus strand (A>C on the coding strand, the complement: APTX is on the minus strand). VCF-style: chr9-32988141-T-G. GRCh37 (hg19) VCF-style: chr9-32988139-T-G.
Other names: c.134-410A>C (NM_001369001.1, NM_001369000.1, NM_001195250.2 and 1 more transcripts); c.134-12A>C (NM_001368996.1, NM_001368995.1, NM_001368997.1 and 7 more transcripts); c.-126-17A>C (NM_001369002.1, NM_001369003.1, NM_001370669.1 and 4 more transcripts); c.-84-295A>C (NM_001369004.1).
Identifiers: ClinVar variation 366596 (VCV000366596.17), dbSNP rs113391831, ClinGen allele CA5022603.

ClinVar aggregate classification (germline): Conflicting classifications of pathogenicity. Review status: criteria provided, conflicting classifications (1 of 4 stars). 4 submissions from 4 submitters: Uncertain significance (1); Benign (1); Likely benign (2). Last evaluated 2025-11-26.

Conditions:
Ataxia, early-onset, with oculomotor apraxia and hypoalbuminemia (EAOH). Also called: ATAXIA-OCULOMOTOR APRAXIA SYNDROME; ATAXIA-TELANGIECTASIA-LIKE SYNDROME; Ataxia-oculomotor apraxia type 1. Identifiers: Orphanet 1168, MedGen C1859598, MONDO:0008842, OMIM 208920.

Allele frequency attached by ClinVar (database versions not stated): gnomAD 0.00025 and 0.00057; ExAC 0.00026; ESP Exome Variant Server 0.00031; gnomAD exomes 0.00031; TOPMed 0.00128.
gnomAD v4.1: 443 of 1,613,786 alleles (0.027%); highest among the groups gnomAD compares: Middle Eastern, 0.15%; 3 homozygotes.

Submissions (4):

Labcorp Genetics (formerly Invitae), Labcorp
Classification: Benign. Last evaluated: 2025-11-26. Review status: criteria provided, single submitter. Criteria: Invitae Variant Classification Sherloc (09022015). Collection method: clinical testing. Allele origin: germline.

Blueprint Genetics
Classification: Likely benign. Last evaluated: 2024-05-14. Review status: criteria provided, single submitter. Criteria: ACMG Guidelines, 2015. Collection method: clinical testing. Allele origin: germline.

Illumina Laboratory Services, Illumina
Classification: Uncertain significance for Ataxia, early-onset, with oculomotor apraxia and hypoalbuminemia. Last evaluated: 2018-01-13. Review status: criteria provided, single submitter. Criteria: ICSL Variant Classification Criteria 13 December 2019. Collection method: clinical testing. Allele origin: germline.

GeneDx
Classification: Likely benign. Last evaluated: 2017-12-28. Review status: criteria provided, single submitter. Criteria: GeneDx Variant Classification (06012015). Collection method: clinical testing. Allele origin: germline. Affected: yes.
Comment: This variant is considered likely benign or benign based on one or more of the following criteria: it is a conservative change, it occurs at a poorly conserved position in the protein, it is predicted to be benign by multiple in silico algorithms, and/or has population frequency not consistent with disease.